The following is an entry in ClinVar:

NM_001098.3(ACO2):c.949A>C (p.Asn317His)

Gene: ACO2 (aconitase 2; plus strand). Cytogenetic location: 22q13.2.
Variant type: single nucleotide variant.
Coding change: c.949A>C on transcript NM_001098.3 (MANE Select); coding-DNA position 949, A replaced by C.
Protein change: p.Asn317His; replaces asparagine 317 with histidine.
Molecular consequence: missense variant.
Genome position (GRCh38, 1-based): chr22:41,518,489, A>C. VCF-style: chr22-41518489-A-C. GRCh37 (hg19) VCF-style: chr22-41914493-A-C.
Other names: short protein forms N317H.
Identifiers: ClinVar variation 2004619 (VCV002004619.4), dbSNP rs370823463, ClinGen allele CA10257519.

ClinVar aggregate classification (germline): Uncertain significance (1 of 4 stars; one submission).

Allele frequency attached by ClinVar (database versions not stated): TOPMed below 0.00001; ExAC 0.00001; ESP Exome Variant Server 0.00008; gnomAD 0.00001.
gnomAD v4.1: 1 of 1,613,304 alleles (0.000062%); highest among the groups gnomAD compares: African/African-American, 0.0013%; no homozygotes.

Submission:

Labcorp Genetics (formerly Invitae), Labcorp
Classification: Uncertain significance. Last evaluated: 2025-10-22. Review status: criteria provided, single submitter. Criteria: Invitae Variant Classification Sherloc (09022015). Collection method: clinical testing. Allele origin: germline.
Comment: This sequence change replaces asparagine, which is neutral and polar, with histidine, which is basic and polar, at codon 317 of the ACO2 protein (p.Asn317His). This variant is present in population databases (rs370823463, gnomAD 0.007%). This variant has not been reported in the literature in individuals affected with ACO2-related conditions. ClinVar contains an entry for this variant (Variation ID: 2004619). Invitae Evidence Modeling of protein sequence and biophysical properties (such as structural, functional, and spatial information, amino acid conservation, physicochemical variation, residue mobility, and thermodynamic stability) indicates that this missense variant is not expected to disrupt ACO2 protein function with a negative predictive value of 80%. In summary, the available evidence is currently insufficient to determine the role of this variant in disease. Therefore, it has been classified as a Variant of Uncertain Significance.